The following is an entry in ClinVar:

NM_198578.4(LRRK2):c.3737G>C (p.Arg1246Thr)

Gene: LRRK2 (leucine rich repeat kinase 2; plus strand). Cytogenetic location: 12q12.
Variant type: single nucleotide variant.
Coding change: c.3737G>C on transcript NM_198578.4 (MANE Select); coding-DNA position 3737, G replaced by C.
Protein change: p.Arg1246Thr; replaces arginine 1246 with threonine.
Molecular consequence: missense variant.
Genome position (GRCh38, 1-based): chr12:40,304,094, G>C. VCF-style: chr12-40304094-G-C. GRCh37 (hg19) VCF-style: chr12-40697896-G-C.
Other names: short protein forms R1246T.
Identifiers: ClinVar variation 3540718 (VCV003540718.1).
Genomic context (GRCh38, chr12:40,304,094, plus strand): 5'-TATTTAGCCATAATCAGATCAGCATCTTGGACTTGAGTGAAAAAGCATATTTATGGTCTA[G>C]AGTAGAGAAACTGCATCTTTCTCACAATAAACTGAAAGAGGTAAGACGATTATTGCCACT-3'
Protein context (NP_940980.4, residues 1236-1256): DLSEKAYLWS[Arg1246Thr]VEKLHLSHNK

ClinVar aggregate classification (germline): Uncertain significance (1 of 4 stars; one submission).

Conditions:
Inborn genetic diseases. Identifiers: MedGen C0950123, MeSH D030342.

Submission:

Ambry Genetics
Classification: Uncertain significance for Inborn genetic diseases. Last evaluated: 2024-10-11. Review status: criteria provided, single submitter. Criteria: Ambry Variant Classification Scheme 2023. Collection method: clinical testing. Allele origin: germline.
Comment: The p.R1246T variant (also known as c.3737G>C), located in coding exon 27 of the LRRK2 gene, results from a G to C substitution at nucleotide position 3737. The arginine at codon 1246 is replaced by threonine, an amino acid with similar properties. This amino acid position is conserved. In addition, the in silico prediction for this alteration is inconclusive. Based on the available evidence, the clinical significance of this variant remains unclear.